The following is an entry in ClinVar:

NM_003470.3(USP7):c.539A>T (p.Glu180Val)

Gene: USP7 (ubiquitin specific peptidase 7; minus strand). Cytogenetic location: 16p13.2.
Variant type: single nucleotide variant.
Coding change: c.539A>T on transcript NM_003470.3 (MANE Select); coding-DNA position 539, A replaced by T.
Protein change: p.Glu180Val; replaces glutamic acid 180 with valine.
Molecular consequence: missense variant. On other transcripts: non-coding transcript variant (1).
Genome position (GRCh38, 1-based): chr16:8,920,431, T>A on the plus strand (A>T on the coding strand, the complement: USP7 is on the minus strand). VCF-style: chr16-8920431-T-A. GRCh37 (hg19) VCF-style: chr16-9014288-T-A.
Other names: c.491A>T, p.Glu164Val (NM_001286457.2); c.242A>T, p.Glu81Val (NM_001286458.2); c.365A>T, p.Glu122Val (NM_001321858.2); short protein forms E122V, E164V, E180V, E81V.
Identifiers: ClinVar variation 1319025 (VCV001319025.2), dbSNP rs2141210036, ClinGen allele CA394704612.
Genomic context (GRCh38, chr16:8,920,431, plus strand): 5'-GGAGCATCCGCCTGTACAAAGACTTCAAAGGTAACTTTGTCATCATCTATAAATCCTTTC[T>A]CAGGATCGGTCACTTCCTATAAAACATAAATAAGAATATCCAGCTTGAATAAGAACACAC-3'
Protein context (NP_003461.2, residues 170-190): FMAWSEVTDP[Glu180Val]KGFIDDDKVT

ClinVar aggregate classification (germline): Uncertain significance (1 of 4 stars; one submission).

Submission:

GeneDx
Classification: Uncertain significance. Last evaluated: 2019-04-22. Review status: criteria provided, single submitter. Criteria: GeneDx Variant Classification Process June 2021. Collection method: clinical testing. Allele origin: germline. Affected: yes.
Comment: Has not been previously published as pathogenic or benign to our knowledge; Not observed in large population cohorts (Lek et al., 2016); In silico analysis, which includes protein predictors and evolutionary conservation, supports a deleterious effect